The following is an entry in ClinVar:

ClinVar aggregate classification (germline): Uncertain significance. Review status: criteria provided, multiple submitters, no conflicts (2 of 4 stars). 2 submissions from 2 submitters: Uncertain significance (2). Last evaluated 2024-10-17.

Conditions:
Hereditary spastic paraplegia 75. Also called: Spastic paraplegia 75, autosomal recessive. Identifiers: Orphanet 459056, MedGen C4225250, MONDO:0014729, OMIM 616680.
Inborn genetic diseases. Identifiers: MedGen C0950123, MeSH D030342.

Allele frequency attached by ClinVar (database versions not stated): gnomAD exomes 0.00003; gnomAD 0.00006 and 0.00007; TOPMed 0.00006.
gnomAD v4.1: 45 of 1,522,778 alleles (0.003%); highest among the groups gnomAD compares: Middle Eastern, 0.017%; no homozygotes.

Submissions (2):

Ambry Genetics
Classification: Uncertain significance for Inborn genetic diseases. Last evaluated: 2024-10-17. Review status: criteria provided, single submitter. Criteria: Ambry Variant Classification Scheme 2023. Collection method: clinical testing. Allele origin: germline.

Labcorp Genetics (formerly Invitae), Labcorp
Classification: Uncertain significance for Hereditary spastic paraplegia 75. Last evaluated: 2022-09-01. Review status: criteria provided, single submitter. Criteria: Invitae Variant Classification Sherloc (09022015). Collection method: clinical testing. Allele origin: germline.
Comment: This sequence change replaces glutamic acid, which is acidic and polar, with glutamine, which is neutral and polar, at codon 229 of the MAG protein (p.Glu229Gln). This variant is present in population databases (rs202166521, gnomAD 0.006%). This variant has not been reported in the literature in individuals affected with MAG-related conditions. ClinVar contains an entry for this variant (Variation ID: 1373382). Algorithms developed to predict the effect of missense changes on protein structure and function are either unavailable or do not agree on the potential impact of this missense change (SIFT: "Deleterious"; PolyPhen-2: "Benign"; Align-GVGD: "Class C0"). In summary, the available evidence is currently insufficient to determine the role of this variant in disease. Therefore, it has been classified as a Variant of Uncertain Significance.

NM_002361.4(MAG):c.685G>C (p.Glu229Gln)

Gene: MAG (myelin associated glycoprotein; plus strand). Cytogenetic location: 19q13.12.
Variant type: single nucleotide variant.
Coding change: c.685G>C on transcript NM_002361.4 (MANE Select); coding-DNA position 685, G replaced by C.
Protein change: p.Glu229Gln; replaces glutamic acid 229 with glutamine.
Molecular consequence: missense variant.
Genome position (GRCh38, 1-based): chr19:35,299,823, G>C. VCF-style: chr19-35299823-G-C. GRCh37 (hg19) VCF-style: chr19-35790726-G-C.
Other names: c.610G>C, p.Glu204Gln (NM_001199216.2); c.685G>C, p.Glu229Gln (NM_080600.3); c.685G>C (NM_002361.3); short protein forms E204Q, E229Q.
Identifiers: ClinVar variation 1373382 (VCV001373382.6), dbSNP rs202166521, ClinGen allele CA9376068.